The following is an entry in ClinVar:

NM_002016.2(FLG):c.10341A>G (p.Gly3447=)

Genes: CCDST (cervical cancer associated DHX9 suppressive transcript; plus strand), FLG (filaggrin; minus strand). Cytogenetic location: 1q21.3.
Variant type: single nucleotide variant.
Coding change: c.10341A>G on transcript NM_002016.2 (MANE Select); coding-DNA position 10341, A replaced by G.
Protein change: p.Gly3447=; no amino-acid change (glycine 3447 retained).
Molecular consequence: synonymous variant.
Genome position (GRCh38, 1-based): chr1:152,304,545, T>C on the plus strand (A>G on the coding strand, the complement: FLG is on the minus strand). VCF-style: chr1-152304545-T-C. GRCh37 (hg19) VCF-style: chr1-152277021-T-C.
Identifiers: ClinVar variation 3770722 (VCV003770722.13).

ClinVar aggregate classification (germline): Likely benign (1 of 4 stars; one submission).

Submission:

CeGaT Center for Human Genetics Tuebingen
Classification: Likely benign. Last evaluated: 2026-08-01. Review status: criteria provided, single submitter. Criteria: CeGaT Center For Human Genetics Tuebingen Variant Classification Criteria Version 2. Collection method: clinical testing. Allele origin: germline. Affected: yes. Observed: 3 variant alleles.
Comment: FLG: BP4, BP7